The following is an entry in ClinVar:

ClinVar aggregate classification (germline): Uncertain significance (1 of 4 stars; one submission).

Conditions:
MGAT2-congenital disorder of glycosylation. Also called: CDG IIa; MGAT2-CDG; Congenital disorder of glycosylation, type IIa; MENTAL RETARDATION, GROWTH RETARDATION, PROMINENT COLUMELLA, AND OPEN MOUTH; Alkuraya syndrome. Identifiers: Orphanet 79329, MedGen C2931008, MONDO:0008908, OMIM 212066.

Submission:

Labcorp Genetics (formerly Invitae), Labcorp
Classification: Uncertain significance for MGAT2-congenital disorder of glycosylation. Last evaluated: 2022-03-11. Review status: criteria provided, single submitter. Criteria: Invitae Variant Classification Sherloc (09022015). Collection method: clinical testing. Allele origin: germline.
Comment: This variant is not present in population databases (gnomAD no frequency). This variant has not been reported in the literature in individuals affected with MGAT2-related conditions. Algorithms developed to predict the effect of missense changes on protein structure and function are either unavailable or do not agree on the potential impact of this missense change (SIFT: "Deleterious"; PolyPhen-2: "Possibly Damaging"; Align-GVGD: "Class C0"). In summary, the available evidence is currently insufficient to determine the role of this variant in disease. Therefore, it has been classified as a Variant of Uncertain Significance. This sequence change replaces cysteine, which is neutral and slightly polar, with tyrosine, which is neutral and polar, at codon 283 of the MGAT2 protein (p.Cys283Tyr).

NM_002408.4(MGAT2):c.848G>A (p.Cys283Tyr)

Gene: MGAT2 (alpha-1,6-mannosyl-glycoprotein 2-beta-N-acetylglucosaminyltransferase; plus strand). Cytogenetic location: 14q21.3.
Variant type: single nucleotide variant.
Coding change: c.848G>A on transcript NM_002408.4 (MANE Select); coding-DNA position 848, G replaced by A.
Protein change: p.Cys283Tyr; replaces cysteine 283 with tyrosine.
Molecular consequence: missense variant.
Genome position (GRCh38, 1-based): chr14:49,622,116, G>A. VCF-style: chr14-49622116-G-A. GRCh37 (hg19) VCF-style: chr14-50088834-G-A.
Other names: short protein forms C283Y.
Identifiers: ClinVar variation 1943697 (VCV001943697.5), dbSNP rs983735733, ClinGen allele CA260660804.
Genomic context (GRCh38, chr14:49,622,116, plus strand): 5'-ACTTAGCCCCAGACTTTTACCATGTCTTCAAAAAGATGTGGAAACTGAAGCAGCAAGAGT[G>A]CCCTGAATGTGATGTTCTCTCCCTGGGGACCTATAGTGCCAGTCGCAGTTTCTATGGCAT-3'
Protein context (NP_002399.1, residues 273-293): KKMWKLKQQE[Cys283Tyr]PECDVLSLGT